The following is an entry in ClinVar:

Conditions:
Long QT syndrome 5 (LQT5). Identifiers: Orphanet 101016, Orphanet 768, MedGen C1867904, MONDO:0013372, OMIM 613695.

Submission:

Roden Lab, Vanderbilt University Medical Center
No classification provided (evidence only). Condition: Long QT syndrome 5. Review status: no classification provided. Collection method: in vitro. Allele origin: not applicable. Functional consequence: Effect on ion channel function.
ClinVar note: "not provided" was previously submitted as the classification for the variant. However, the classification appeared to be based only on an observation of functional data so it was converted to no classification on 2025-07-30.

NM_000219.6(KCNE1):c.357C>A (p.Asn119Lys)

Gene: KCNE1 (potassium voltage-gated channel subfamily E regulatory subunit 1; minus strand). Cytogenetic location: 21q22.12.
Variant type: single nucleotide variant.
Coding change: c.357C>A on transcript NM_000219.6 (MANE Select); coding-DNA position 357, C replaced by A.
Protein change: p.Asn119Lys; replaces asparagine 119 with lysine.
Molecular consequence: missense variant.
Genome position (GRCh38, 1-based): chr21:34,449,278, G>T on the plus strand (C>A on the coding strand, the complement: KCNE1 is on the minus strand). VCF-style: chr21-34449278-G-T. GRCh37 (hg19) VCF-style: chr21-35821576-G-T.
Other names: c.357C>A, p.Asn119Lys (NM_001270403.2, NM_001270404.3, NM_001270405.3 and 4 more transcripts); short protein forms N119K.
Identifiers: ClinVar variation 3373800 (VCV003373800.2).